The following is an entry in ClinVar:

NM_000301.5(PLG):c.477G>A (p.Pro159=)

Gene: PLG (plasminogen; plus strand). Cytogenetic location: 6q26.
Variant type: single nucleotide variant.
Coding change: c.477G>A on transcript NM_000301.5 (MANE Select); coding-DNA position 477, G replaced by A.
Protein change: p.Pro159=; no amino-acid change (proline 159 retained).
Molecular consequence: synonymous variant.
Genome position (GRCh38, 1-based): chr6:160,713,055, G>A. VCF-style: chr6-160713055-G-A. GRCh37 (hg19) VCF-style: chr6-161134087-G-A.
Other names: p.Pro159=.
Identifiers: ClinVar variation 2968650 (VCV002968650.4), dbSNP rs555922023, ClinGen allele CA4087454.

ClinVar aggregate classification (germline): Likely benign. Review status: criteria provided, multiple submitters, no conflicts (2 of 4 stars). 2 submissions from 2 submitters: Likely benign (2). Last evaluated 2025-09-21.

Allele frequency attached by ClinVar (database versions not stated): gnomAD 0.00005; 1000 Genomes Project 0.00040; 1000 Genomes Project 30x 0.00031.
gnomAD v4.1: 69 of 1,607,788 alleles (0.0043%); highest among the groups gnomAD compares: African/African-American, 0.023%; no homozygotes.

Submissions (2):

Labcorp Genetics (formerly Invitae), Labcorp
Classification: Likely benign. Last evaluated: 2025-09-21. Review status: criteria provided, single submitter. Criteria: Invitae Variant Classification Sherloc (09022015). Collection method: clinical testing. Allele origin: germline.

Mayo Clinic Laboratories, Mayo Clinic
Classification: Likely benign. Last evaluated: 2025-09-15. Review status: criteria provided, single submitter. Criteria: ACMG Guidelines, 2015. Collection method: clinical testing. Allele origin: germline. Observed: 1 variant allele.
Comment: BP4, BP7